The following is an entry in ClinVar:

NM_144670.6(A2ML1):c.4025C>T (p.Thr1342Ile)

Gene: A2ML1 (alpha-2-macroglobulin like 1; plus strand). Cytogenetic location: 12p13.31.
Variant type: single nucleotide variant.
Coding change: c.4025C>T on transcript NM_144670.6 (MANE Select); coding-DNA position 4025, C replaced by T.
Protein change: p.Thr1342Ile; replaces threonine 1342 with isoleucine.
Molecular consequence: missense variant.
Genome position (GRCh38, 1-based): chr12:8,868,321, C>T. VCF-style: chr12-8868321-C-T. GRCh37 (hg19) VCF-style: chr12-9020917-C-T.
Other names: c.4025C>T (NM_144670.5); c.2552C>T, p.Thr851Ile (NM_001282424.3); short protein forms T1342I, T851I.
Identifiers: ClinVar variation 1110146 (VCV001110146.15), dbSNP rs753841404, ClinGen allele CA6436556.

ClinVar aggregate classification (germline): Conflicting classifications of pathogenicity. Review status: criteria provided, conflicting classifications (1 of 4 stars). 4 submissions from 4 submitters: Uncertain significance (2); Likely benign (1). 1 of the submissions does not count toward it. Last evaluated 2025-05-10.

Conditions:
A2ML1-related disorder. Also called: A2ML1-related condition.
Noonan syndrome (NS). Also called: Noonan's syndrome. Identifiers: Orphanet 648, MedGen C0028326, MeSH D009634, MONDO:0018997. Disease mechanism: gain of function.

Allele frequency attached by ClinVar (database versions not stated): gnomAD 0.00001 and 0.00013; TOPMed 0.00003; gnomAD exomes 0.00017 and 0.00035; ExAC 0.00034; 1000 Genomes Project 30x 0.00078; 1000 Genomes Project 0.00080.
gnomAD v4.1: 279 of 1,613,564 alleles (0.017%); highest among the groups gnomAD compares: South Asian, 0.28%; no homozygotes.

Submissions (4):

Ambry Genetics
Classification: Uncertain significance. Last evaluated: 2025-05-10. Review status: criteria provided, single submitter. Criteria: Ambry Variant Classification Scheme 2023. Collection method: clinical testing. Allele origin: germline.
Comment: The p.T1342I variant (also known as c.4025C>T), located in coding exon 31 of the A2ML1 gene, results from a C to T substitution at nucleotide position 4025. The threonine at codon 1342 is replaced by isoleucine, an amino acid with similar properties. This amino acid position is conserved. In addition, this alteration is predicted to be tolerated by in silico analysis. Since supporting evidence is limited at this time, the clinical significance of this alteration remains unclear.

Labcorp Genetics (formerly Invitae), Labcorp
Classification: Likely benign. Last evaluated: 2025-03-05. Review status: criteria provided, single submitter. Criteria: Invitae Variant Classification Sherloc (09022015). Collection method: clinical testing. Allele origin: germline.

Department of Pathology and Laboratory Medicine, Sinai Health System
Classification: Uncertain significance for Noonan syndrome. Last evaluated: 2022-06-13. Review status: criteria provided, single submitter. Criteria: ACMG Guidelines, 2015. Collection method: research. Allele origin: germline.

PreventionGenetics, part of Exact Sciences
Classification: Likely benign for A2ML1-related condition. Last evaluated: 2019-05-30. Review status: no assertion criteria provided. Collection method: clinical testing. Allele origin: germline. Not counted in ClinVar's aggregate classification.
Comment: This variant is classified as likely benign based on ACMG/AMP sequence variant interpretation guidelines (Richards et al. 2015 PMID: 25741868, with internal and published modifications).